The following is an entry in ClinVar:

NM_001999.4(FBN2):c.2943G>T (p.Glu981Asp)

Gene: FBN2 (fibrillin 2; minus strand). Cytogenetic location: 5q23.3.
Variant type: single nucleotide variant.
Coding change: c.2943G>T on transcript NM_001999.4 (MANE Select); coding-DNA position 2943, G replaced by T.
Protein change: p.Glu981Asp; replaces glutamic acid 981 with aspartic acid.
Molecular consequence: missense variant.
Genome position (GRCh38, 1-based): chr5:128,349,393, C>A on the plus strand (G>T on the coding strand, the complement: FBN2 is on the minus strand). VCF-style: chr5-128349393-C-A. GRCh37 (hg19) VCF-style: chr5-127685085-C-A.
Other names: short protein forms E981D.
Identifiers: ClinVar variation 458749 (VCV000458749.11), dbSNP rs142249689, ClinGen allele CA3395389.

ClinVar aggregate classification (germline): Conflicting classifications of pathogenicity. Review status: criteria provided, conflicting classifications (1 of 4 stars). 2 submissions from 2 submitters: Uncertain significance (1); Benign (1). Last evaluated 2024-10-12.

Conditions:
Familial thoracic aortic aneurysm and aortic dissection (TAAD). Also called: Thoracic aortic aneurysms and dissections. Identifiers: Orphanet 91387, MedGen C4707243, MONDO:0019625.
Congenital contractural arachnodactyly (CCA). Also called: Beals-Hecht syndrome; BEALS SYNDROME; Arthrogryposis, distal, type 9. Identifiers: Orphanet 115, MedGen C0220668, MONDO:0007363, OMIM 121050.

Allele frequency attached by ClinVar (database versions not stated): ExAC 0.00002; gnomAD exomes 0.00002; TOPMed 0.00002; gnomAD 0.00003; ESP Exome Variant Server 0.00023.
gnomAD v4.1: 27 of 1,613,980 alleles (0.0017%); highest among the groups gnomAD compares: Non-Finnish European, 0.0021%; no homozygotes.

Submissions (2):

Labcorp Genetics (formerly Invitae), Labcorp
Classification: Benign for Congenital contractural arachnodactyly. Last evaluated: 2024-10-12. Review status: criteria provided, single submitter. Criteria: Invitae Variant Classification Sherloc (09022015). Collection method: clinical testing. Allele origin: germline.

Ambry Genetics
Classification: Uncertain significance for Familial thoracic aortic aneurysm and aortic dissection. Last evaluated: 2020-09-03. Review status: criteria provided, single submitter. Criteria: Ambry Variant Classification Scheme 2023. Collection method: clinical testing. Allele origin: germline.
Comment: The p.E981D variant (also known as c.2943G>T), located in coding exon 23 of the FBN2 gene, results from a G to T substitution at nucleotide position 2943. The glutamic acid at codon 981 is replaced by aspartic acid, an amino acid with highly similar properties, and is located in the TGFBP #03 domain. This amino acid position is well conserved in available vertebrate species; however, aspartic acid is the reference amino acid in other vertebrate species. In addition, this alteration is predicted to be tolerated by in silico analysis. Since supporting evidence is limited at this time, the clinical significance of this alteration remains unclear.